The following is an entry in ClinVar:

ClinVar aggregate classification (germline): Uncertain significance (1 of 4 stars; one submission).

Submission:

Labcorp Genetics (formerly Invitae), Labcorp
Classification: Uncertain significance. Last evaluated: 2020-08-05. Review status: criteria provided, single submitter. Criteria: Invitae Variant Classification Sherloc (09022015). Collection method: clinical testing. Allele origin: germline.
Comment: This sequence change replaces methionine with isoleucine at codon 434 of the FZD4 protein (p.Met434Ile). The methionine residue is highly conserved and there is a small physicochemical difference between methionine and isoleucine. In summary, the available evidence is currently insufficient to determine the role of this variant in disease. Therefore, it has been classified as a Variant of Uncertain Significance. Algorithms developed to predict the effect of missense changes on protein structure and function are either unavailable or do not agree on the potential impact of this missense change (SIFT: "Deleterious"; PolyPhen-2: "Probably Damaging"; Align-GVGD: "Class C0"). This variant has not been reported in the literature in individuals with FZD4-related conditions. This variant is not present in population databases (ExAC no frequency).

NM_012193.4(FZD4):c.1302G>C (p.Met434Ile)

Genes: FZD4 (frizzled class receptor 4; minus strand), PRSS23 (serine protease 23; plus strand). Cytogenetic location: 11q14.2.
Variant type: single nucleotide variant.
Coding change: c.1302G>C on transcript NM_012193.4 (MANE Select); coding-DNA position 1302, G replaced by C.
Protein change: p.Met434Ile; replaces methionine 434 with isoleucine.
Molecular consequence: missense variant. On other transcripts: non-coding transcript variant (2).
Genome position (GRCh38, 1-based): chr11:86,951,454, C>G on the plus strand (G>C on the coding strand, the complement: FZD4 is on the minus strand). VCF-style: chr11-86951454-C-G. GRCh37 (hg19) VCF-style: chr11-86662496-C-G.
Other names: short protein forms M434I.
Identifiers: ClinVar variation 1009442 (VCV001009442.8), dbSNP rs1395375724, ClinGen allele CA382011880.